The following is an entry in ClinVar:

NM_005555.4(KRT6B):c.1665C>T (p.Ser555=)

Gene: KRT6B (keratin 6B; minus strand). Cytogenetic location: 12q13.13.
Variant type: single nucleotide variant.
Coding change: c.1665C>T on transcript NM_005555.4 (MANE Select); coding-DNA position 1665, C replaced by T.
Protein change: p.Ser555=; no amino-acid change (serine 555 retained).
Molecular consequence: synonymous variant.
Genome position (GRCh38, 1-based): chr12:52,447,220, G>A on the plus strand (C>T on the coding strand, the complement: KRT6B is on the minus strand). VCF-style: chr12-52447220-G-A. GRCh37 (hg19) VCF-style: chr12-52841004-G-A.
Identifiers: ClinVar variation 774214 (VCV000774214.22), dbSNP rs138933209, ClinGen allele CA6580293.

ClinVar aggregate classification (germline): Benign/Likely benign. Review status: criteria provided, multiple submitters, no conflicts (2 of 4 stars). 4 submissions from 4 submitters: Benign (2); Likely benign (2). Last evaluated 2026-01-21.

Allele frequency attached by ClinVar (database versions not stated): ESP Exome Variant Server 0.00008; gnomAD exomes 0.00018 and 0.00027; ExAC 0.00025; gnomAD 0.00026 and 0.00029; TOPMed 0.00029.
gnomAD v4.1: 324 of 1,614,094 alleles (0.02%); highest among the groups gnomAD compares: Middle Eastern, 0.64%; no homozygotes.

Submissions (4):

Labcorp Genetics (formerly Invitae), Labcorp
Classification: Benign. Last evaluated: 2026-01-21. Review status: criteria provided, single submitter. Criteria: Invitae Variant Classification Sherloc (09022015). Collection method: clinical testing. Allele origin: germline.

CeGaT Center for Human Genetics Tuebingen
Classification: Likely benign. Last evaluated: 2025-02-01. Review status: criteria provided, single submitter. Criteria: CeGaT Center For Human Genetics Tuebingen Variant Classification Criteria Version 2. Collection method: clinical testing. Allele origin: germline. Affected: yes. Observed: 1 variant allele.
Comment: KRT6B: BP4, BP7

Blueprint Genetics
Classification: Likely benign. Last evaluated: 2024-09-12. Review status: criteria provided, single submitter. Criteria: ACMG Guidelines, 2015. Collection method: clinical testing. Allele origin: germline.

Breakthrough Genomics
Classification: Benign. Review status: criteria provided, single submitter. Criteria: ACMG Guidelines, 2015. Collection method: not provided. Allele origin: germline. Inheritance: Autosomal dominant inheritance. Affected: yes.